The following is an entry in ClinVar:

NM_014727.3(KMT2B):c.3325del (p.Arg1109fs)

Gene: KMT2B (lysine methyltransferase 2B; plus strand). Cytogenetic location: 19q13.12.
Variant type: Deletion.
Coding change: c.3325del on transcript NM_014727.3 (MANE Select); coding-DNA position 3325, one base deleted (C; older notation c.3325delC).
Protein change: p.Arg1109fs; shifts the reading frame from arginine 1109.
Molecular consequence: frameshift variant.
Genome position (GRCh38, 1-based): chr19:35,723,998, C deleted; the last of 6 consecutive C bases (chr19:35,723,993-35,723,998); deleting any one gives the same sequence. VCF-style (leftmost placement, unchanged base first): chr19-35723992-AC-A. GRCh37 (hg19) VCF-style: chr19-36214893-AC-A.
Other names: c.3325delC (NM_014727.2); short protein forms R1109fs.
Identifiers: ClinVar variation 449876 (VCV000449876.2), dbSNP rs1555729827, ClinGen allele CA658658807.

ClinVar aggregate classification (germline): Likely pathogenic (1 of 4 stars; one submission).

Submission:

GeneDx
Classification: Likely pathogenic. Last evaluated: 2017-10-26. Review status: criteria provided, single submitter. Criteria: GeneDx Variant Classification (06012015). Collection method: clinical testing. Allele origin: germline. Affected: yes.
Comment: The c.3325delC variant in the KMT2B gene has not been reported previously as a pathogenic variant nor as a benignvariant, to our knowledge. The c.3325delC variant causes a frameshift starting with codon Arginine 1109, changesthis amino acid to a Glutamic acid residue, and creates a premature Stop codon at position 73 of the new readingframe, denoted p.Arg1109GlufsX73. This variant is predicted to cause loss of normal protein function either throughprotein truncation or nonsense-mediated mRNA decay. The c.3325delC variant is not observed in large populationcohorts (Lek et al., 2016; 1000 Genomes Consortium et al., 2015; Exome Variant Server). We interpret c.3325delCas a likely pathogenic variant.